The following is an entry in ClinVar:

NM_001080449.3(DNA2):c.796T>G (p.Trp266Gly)

Gene: DNA2 (DNA replication helicase/nuclease 2; minus strand). Cytogenetic location: 10q21.3.
Variant type: single nucleotide variant.
Coding change: c.796T>G on transcript NM_001080449.3 (MANE Select); coding-DNA position 796, T replaced by G.
Protein change: p.Trp266Gly; replaces tryptophan 266 with glycine.
Molecular consequence: missense variant. On other transcripts: non-coding transcript variant (1).
Genome position (GRCh38, 1-based): chr10:68,450,171, A>C on the plus strand (T>G on the coding strand, the complement: DNA2 is on the minus strand). VCF-style: chr10-68450171-A-C. GRCh37 (hg19) VCF-style: chr10-70209928-A-C.
Other names: short protein forms W266G.
Identifiers: ClinVar variation 498822 (VCV000498822.6), dbSNP rs772440931, ClinGen allele CA5525206.

ClinVar aggregate classification (germline): Uncertain significance. Review status: criteria provided, multiple submitters, no conflicts (2 of 4 stars). 2 submissions from 2 submitters: Uncertain significance (2). Last evaluated 2025-10-21.

Allele frequency attached by ClinVar (database versions not stated): TOPMed below 0.00001; gnomAD 0.00001.
gnomAD v4.1: 11 of 1,607,358 alleles (0.00068%); highest among the groups gnomAD compares: African/African-American, 0.0013%; no homozygotes.

Submissions (2):

Labcorp Genetics (formerly Invitae), Labcorp
Classification: Uncertain significance. Last evaluated: 2025-10-21. Review status: criteria provided, single submitter. Criteria: Invitae Variant Classification Sherloc (09022015). Collection method: clinical testing. Allele origin: germline.
Comment: This sequence change replaces tryptophan, which is neutral and slightly polar, with glycine, which is neutral and non-polar, at codon 266 of the DNA2 protein (p.Trp266Gly). This variant is present in population databases (rs772440931, gnomAD 0.005%). This variant has not been reported in the literature in individuals affected with DNA2-related conditions. ClinVar contains an entry for this variant (Variation ID: 498822). Invitae Evidence Modeling of protein sequence and biophysical properties (such as structural, functional, and spatial information, amino acid conservation, physicochemical variation, residue mobility, and thermodynamic stability) indicates that this missense variant is expected to disrupt DNA2 protein function with a positive predictive value of 80%. In summary, the available evidence is currently insufficient to determine the role of this variant in disease. Therefore, it has been classified as a Variant of Uncertain Significance.

Eurofins Ntd Llc (ga)
Classification: Uncertain significance. Last evaluated: 2016-11-23. Review status: criteria provided, single submitter. Criteria: EGL Classification Definitions 2015. Collection method: clinical testing. Allele origin: germline. Observed: 1 variant allele, 1 heterozygote.